The following is an entry in ClinVar:

NM_145647.4(TBC1D31):c.1808_1811del (p.Leu603fs)

Gene: TBC1D31 (TBC1 domain family member 31; plus strand). Cytogenetic location: 8q24.13.
Variant type: Deletion.
Coding change: c.1808_1811del on transcript NM_145647.4 (MANE Select); coding-DNA positions 1808 to 1811, 4 bases deleted (TTCT; older notation c.1808_1811delTTCT).
Protein change: p.Leu603fs; shifts the reading frame from leucine 603.
Molecular consequence: frameshift variant.
Genome position (GRCh38, 1-based): chr8:123,126,611-123,126,614, TTCT deleted. VCF-style (leftmost placement, unchanged base first): chr8-123126610-CTTCT-C. GRCh37 (hg19) VCF-style: chr8-124138850-CTTCT-C.
Other names: c.1808_1811del, p.Leu603fs (NM_001145088.2, NM_001363148.1, NM_001363150.1 and 2 more transcripts); c.1493_1496del, p.Leu498fs (NM_001330606.2, NM_001363152.1, NM_001363154.1 and 1 more transcripts); c.1778_1781del, p.Leu593fs (NM_001363149.1); c.308_311del, p.Leu103fs (NM_001363156.1); short protein forms L593fs, L603fs, L103fs, L498fs.
Identifiers: ClinVar variation 4992566 (VCV004992566.1).

ClinVar aggregate classification (germline): Uncertain significance (1 of 4 stars; one submission).

Conditions:
TBC1D31-related disorder. Also called: TBC1D31-related condition.

Submission:

PreventionGenetics, part of Exact Sciences
Classification: Uncertain significance for TBC1D31-related condition. Last evaluated: 2026-05-31. Review status: criteria provided, single submitter. Criteria: ACMG Guidelines, 2015. Collection method: clinical testing. Allele origin: germline.
Comment: The TBC1D31 c.1808_1811delTTCT variant is predicted to result in a frameshift and premature protein termination (p.Leu603Argfs*2). To our knowledge, this variant has not been reported in the literature or in a large population database (gnomAD), indicating this variant is rare. At this time, the clinical significance of this variant is uncertain due to the absence of conclusive functional and genetic evidence.